The following is an entry in ClinVar:

NM_182931.3(KMT2E):c.2197-19A>G

Gene: KMT2E (lysine methyltransferase 2E (inactive); plus strand). Cytogenetic location: 7q22.3.
Variant type: single nucleotide variant.
Coding change: c.2197-19A>G on transcript NM_182931.3 (MANE Select); 19 bases into the intron before coding-DNA position 2197, A replaced by G.
Molecular consequence: intron variant.
Genome position (GRCh38, 1-based): chr7:105,105,420, A>G. VCF-style: chr7-105105420-A-G. GRCh37 (hg19) VCF-style: chr7-104745867-A-G.
Other names: c.2197-19A>G (NM_018682.4).
Identifiers: ClinVar variation 1971122 (VCV001971122.10), dbSNP rs139771344, ClinGen allele CA4424178.

ClinVar aggregate classification (germline): Benign/Likely benign. Review status: criteria provided, multiple submitters, no conflicts (2 of 4 stars). 3 submissions from 3 submitters: Benign (1); Likely benign (2). Last evaluated 2026-01-01.

gnomAD v4.1: 881 of 1,549,050 alleles (0.057%); highest among the groups gnomAD compares: Middle Eastern, 0.61%; 1 homozygote.

Submissions (3):

CeGaT Center for Human Genetics Tuebingen
Classification: Likely benign. Last evaluated: 2026-01-01. Review status: criteria provided, single submitter. Criteria: CeGaT Center For Human Genetics Tuebingen Variant Classification Criteria Version 2. Collection method: clinical testing. Allele origin: germline. Affected: yes. Observed: 1 variant allele.
Comment: KMT2E: BS1

Labcorp Genetics (formerly Invitae), Labcorp
Classification: Benign. Last evaluated: 2025-12-23. Review status: criteria provided, single submitter. Criteria: Invitae Variant Classification Sherloc (09022015). Collection method: clinical testing. Allele origin: germline.

Blueprint Genetics
Classification: Likely benign. Last evaluated: 2024-11-26. Review status: criteria provided, single submitter. Criteria: ACMG Guidelines, 2015. Collection method: clinical testing. Allele origin: germline.